The following is an entry in ClinVar:

ClinVar aggregate classification (germline): Uncertain significance. Review status: criteria provided, multiple submitters, no conflicts (2 of 4 stars). 3 submissions from 3 submitters: Uncertain significance (2). 1 of the submissions does not count toward it. Last evaluated 2024-05-08.

Conditions:
Spongy degeneration of central nervous system. Also called: ACY2 DEFICIENCY; AMINOACYLASE 2 DEFICIENCY; ASP DEFICIENCY; ASPA DEFICIENCY; ASPARTOACYLASE DEFICIENCY; CANAVAN-VAN BOGAERT-BERTRAND DISEASE. Identifiers: Orphanet 141, MedGen C0206307, MONDO:0010079, OMIM 271900.

Submissions (3):

Women's Health and Genetics/Laboratory Corporation of America, LabCorp
Classification: Uncertain significance. Last evaluated: 2024-05-08. Review status: criteria provided, single submitter. Criteria: LabCorp Variant Classification Summary - May 2015. Collection method: clinical testing. Allele origin: germline.

Labcorp Genetics (formerly Invitae), Labcorp
Classification: Uncertain significance for Spongy degeneration of central nervous system. Last evaluated: 2022-11-03. Review status: criteria provided, single submitter. Criteria: Invitae Variant Classification Sherloc (09022015). Collection method: clinical testing. Allele origin: germline.
Comment: This sequence change replaces histidine, which is basic and polar, with proline, which is neutral and non-polar, at codon 244 of the ASPA protein (p.His244Pro). This variant is not present in population databases (gnomAD no frequency). This variant has not been reported in the literature in individuals affected with ASPA-related conditions. ClinVar contains an entry for this variant (Variation ID: 849366). Advanced modeling of protein sequence and biophysical properties (such as structural, functional, and spatial information, amino acid conservation, physicochemical variation, residue mobility, and thermodynamic stability) performed at Invitae indicates that this missense variant is expected to disrupt ASPA protein function. This variant disrupts the p.His244 amino acid residue in ASPA. Other variant(s) that disrupt this residue have been observed in individuals with ASPA-related conditions (PMID: 12638939, 16854607), which suggests that this may be a clinically significant amino acid residue. In summary, the available evidence is currently insufficient to determine the role of this variant in disease. Therefore, it has been classified as a Variant of Uncertain Significance.

Natera, Inc.
Classification: Uncertain significance for Canavan disease. Last evaluated: 2020-09-16. Review status: no assertion criteria provided. Collection method: clinical testing. Allele origin: germline. Not counted in ClinVar's aggregate classification.

Literature cited by the submitters: PubMed 12638939 (cited by Labcorp Genetics (formerly Invitae), Labcorp); PubMed 16854607 (cited by Labcorp Genetics (formerly Invitae), Labcorp).

NM_000049.4(ASPA):c.731A>C (p.His244Pro)

Genes: ASPA (aspartoacylase; plus strand), SPATA22 (spermatogenesis associated 22; minus strand). Cytogenetic location: 17p13.2.
Variant type: single nucleotide variant.
Coding change: c.731A>C on transcript NM_000049.4 (MANE Select); coding-DNA position 731, A replaced by C.
Protein change: p.His244Pro; replaces histidine 244 with proline.
Molecular consequence: missense variant. On other transcripts: intron variant (2).
Genome position (GRCh38, 1-based): chr17:3,494,446, A>C. VCF-style: chr17-3494446-A-C. GRCh37 (hg19) VCF-style: chr17-3397740-A-C.
Other names: c.731A>C, p.His244Pro (NM_001128085.1); c.-74+18966T>G (NM_001321336.2, NM_001321337.2); short protein forms H244P.
Identifiers: ClinVar variation 849366 (VCV000849366.7), dbSNP rs1057516995, ClinGen allele CA397686325.